The following is an entry in ClinVar:

NM_002474.3(MYH11):c.5222TGGAGGAGGAGC[3] (p.Glu1748_Gln1749insLeuGluGluGlu)

Genes: MYH11 (myosin heavy chain 11; minus strand), NDE1 (nudE neurodevelopment protein 1; plus strand). Cytogenetic location: 16p13.11.
Variant type: Microsatellite.
Coding change: c.5222TGGAGGAGGAGC[3] on transcript NM_002474.3 (MANE Select); three copies in a row of the 12-base unit TGGAGGAGGAGC starting at c.5222; the reference has two copies in a row; one copy, 12 bases duplicated; also written c.5234_5245dup.
Protein change: p.Glu1748_Gln1749insLeuGluGluGlu.
Molecular consequence: inframe insertion. On other transcripts: intron variant (2).
Genome position (GRCh38, 1-based): chr16:15,718,365-15,718,376, GCTCCTCCTCCA duplicated on the plus strand (TGGAGGAGGAGC on the coding strand, the reverse complement: MYH11 is on the minus strand); duplicating any 12 consecutive bases within chr16:15,718,365-15,718,391 gives the same sequence; the position shown is the placement nearest the transcript's 3' end. VCF-style (leftmost placement, unchanged base first): chr16-15718364-T-TGCTCCTCCTCCA. GRCh37 (hg19) VCF-style: chr16-15812221-T-TGCTCCTCCTCCA.
Other names: c.5234_5245dupTGGAGGAGGAGC (NM_002474.2); c.5255_5266dup (NM_001040113.2); c.5234_5245dup (NM_002474.2); c.5255_5266dup12 (NM_001040113.2); c.5243TGGAGGAGGAGC[3], p.Glu1755_Gln1756insLeuGluGluGlu (NM_001040113.2, NM_001040114.2); c.5222TGGAGGAGGAGC[3], p.Glu1748_Gln1749insLeuGluGluGlu (NM_022844.3); c.948-5826GCTCCTCCTCCA[3] (NM_001143979.2, NM_017668.3).
Identifiers: ClinVar variation 580565 (VCV000580565.19), dbSNP rs777249764, ClinGen allele CA7921356.
Genomic context (GRCh38, chr16:15,718,364, plus strand): 5'-GCGGCCCTCACCTGCTGTGTGGCTTTGCGGACCCGGTCGCTCATGGCCTCCATGTTGCCC[T>TGCTCCTCCTCCA]GCTCCTCCTCCAGCTCCTCCTCCAGCTGGGCGATCCGGGCCTCCAGGCGGCGCTTCTCGT-3'

ClinVar aggregate classification (germline): Uncertain significance. Review status: criteria provided, multiple submitters, no conflicts (2 of 4 stars). 9 submissions from 9 submitters: Uncertain significance (9). Last evaluated 2025-11-27.

Conditions:
Familial thoracic aortic aneurysm and aortic dissection (TAAD). Also called: Thoracic aortic aneurysms and dissections. Identifiers: Orphanet 91387, MedGen C4707243, MONDO:0019625.
MYH11-related disorder. Also called: MYH11-related condition.
Aortic aneurysm, familial thoracic 4 (AAT4). Also called: AORTIC ANEURYSM/AORTIC DISSECTION AND PATENT DUCTUS ARTERIOSUS. Identifiers: MedGen C1851504, MONDO:0007568, OMIM 132900.

Submissions (9):

Labcorp Genetics (formerly Invitae), Labcorp
Classification: Uncertain significance for Aortic aneurysm, familial thoracic 4. Last evaluated: 2025-11-27. Review status: criteria provided, single submitter. Criteria: Invitae Variant Classification Sherloc (09022015). Collection method: clinical testing. Allele origin: germline.
Comment: This variant, c.5255_5266dup, results in the insertion of 4 amino acid(s) of the MYH11 protein (p.Leu1752_Glu1755dup), but otherwise preserves the integrity of the reading frame. This variant is present in population databases (rs777249764, gnomAD 0.006%). This variant has been observed in individual(s) with clinical features of MYH11-related conditions (internal data). ClinVar contains an entry for this variant (Variation ID: 580565). Experimental studies and prediction algorithms are not available or were not evaluated, and the functional significance of this variant is currently unknown. In summary, the available evidence is currently insufficient to determine the role of this variant in disease. Therefore, it has been classified as a Variant of Uncertain Significance.

Color Diagnostics, LLC DBA Color Health
Classification: Uncertain significance for Familial thoracic aortic aneurysm and aortic dissection. Last evaluated: 2025-07-22. Review status: criteria provided, single submitter. Criteria: ACMG Guidelines, 2015. Collection method: clinical testing. Allele origin: germline.
Comment: This variant causes an in-frame duplication of four amino acids at exon 38 of the MYH11 protein. To our knowledge, functional studies have not been reported for this variant. This variant has not been reported in individuals affected with MYH11-related disorders in the literature. This variant has been identified in 4/245812 chromosomes in the general population by the Genome Aggregation Database (gnomAD). The available evidence is insufficient to determine the role of this variant in disease conclusively. Therefore, this variant is classified as a Variant of Uncertain Significance.

PreventionGenetics, part of Exact Sciences
Classification: Uncertain significance for MYH11-related condition. Last evaluated: 2025-06-30. Review status: criteria provided, single submitter. Criteria: ACMG Guidelines, 2015. Collection method: clinical testing. Allele origin: germline.
Comment: The MYH11 c.5255_5266dup12 variant is predicted to result in an in-frame duplication (p.Leu1752_Glu1755dup). To our knowledge, this variant has not been reported in the literature. This variant is reported in 0.0054% of alleles in individuals of East Asian descent in gnomAD and is consistently interpreted as uncertain in ClinVar. At this time, the clinical significance of this variant is uncertain due to the absence of conclusive functional and genetic evidence.

Ambry Genetics
Classification: Uncertain significance for Familial thoracic aortic aneurysm and aortic dissection. Last evaluated: 2025-02-24. Review status: criteria provided, single submitter. Criteria: Ambry Variant Classification Scheme 2023. Collection method: clinical testing. Allele origin: germline.
Comment: The c.5234_5245dup12 variant (also known as p.L1745_E1748dup), located in coding exon 36 of the MYH11 gene, results from an in-frame duplication of 12 nucleotides at nucleotide positions 5234 to 5245. This results in the duplication of 4 extra residues (LEEE) between codons 1745 and 1748. This amino acid region is highly conserved in available vertebrate species. In addition, this alteration is predicted to be deleterious by in silico analysis (Choi Y et al. PLoS ONE. 2012; 7(10):e46688). Since supporting evidence is limited at this time, the clinical significance of this alteration remains unclear.

Centre of Medical Genetics, University of Antwerp
Classification: Uncertain significance for Familial thoracic aortic aneurysm and aortic dissection. Last evaluated: 2024-09-06. Review status: criteria provided, single submitter. Criteria: ACMG Guidelines, 2015. Collection method: clinical testing. Allele origin: germline. Affected: yes.

Women's Health and Genetics/Laboratory Corporation of America, LabCorp
Classification: Uncertain significance. Last evaluated: 2023-12-27. Review status: criteria provided, single submitter. Criteria: LabCorp Variant Classification Summary - May 2015. Collection method: clinical testing. Allele origin: germline.
Comment: Variant summary: MYH11 c.5255_5266dup12 (p.Leu1752_Glu1755dup) results in an in-frame duplication that is predicted to duplicate four amino acids into the encoded protein. The variant allele was found at a frequency of 1.6e-05 in 245812 control chromosomes. The available data on variant occurrences in the general population are insufficient to allow any conclusion about variant significance. To our knowledge, no occurrence of c.5255_5266dup12 in individuals affected with Aortopathy and no experimental evidence demonstrating its impact on protein function have been reported. Four submitters have cited clinical-significance assessments for this variant to ClinVar after 2014. All submitters classified the variant as uncertain significance. Based on the evidence outlined above, the variant was classified as uncertain significance.

Victorian Clinical Genetics Services, Murdoch Childrens Research Institute
Classification: Uncertain significance for Aortic aneurysm, familial thoracic 4. Last evaluated: 2022-09-02. Review status: criteria provided, single submitter. Criteria: ACMG Guidelines, 2015. Collection method: clinical testing. Allele origin: germline. Inheritance: Autosomal dominant inheritance. Affected: yes.
Comment: Based on the classification scheme VCGS_Germline_v1.3.4, this variant is classified as VUS-3A. Following criteria are met: 0102 - Loss of function is a known mechanism of disease in this gene and is associated with megacystis-microcolon-intestinal hypoperistalsis syndrome 2 (MMIHS; MIM#619351). The disease mechanism for chronic intestinal pseudo-obstruction (CIPO), also known as visceral myopathy 2 (MIM#619350), and familial thoracic aortic aneurysm 4 (AAFT; MIM#132900) is unclear, however loss of function and dominant negative have been suggested, respectively (PMID: 31944481). (I) 0108 - This gene is associated with both recessive and dominant disease. MMIHS is an autosomal recessive form of disease caused by both missense variants and those resulting in a premature termination codon. AAFT is autosomal dominant and has been reported in patients with splice, missense and inframe deletion variants. CIPO is autosomal dominant and has only been reported in patients with protein elongation variants exclusive to isoform SM2 (PMIDs: 31389005, 31944481). (I) 0112 - The aortic aneurysm associated with this gene has incomplete penetrance (PMIDs: 17666408, 22968129). (I) 0214 - In-frame insertion/deletion fully contained in a repetitive region that has high conservation. (SP) 0251 - This variant is heterozygous. (I) 0304 - Variant is present in gnomAD <0.01 (v2: 4 heterozygotes, 0 homozygotes). (SP) 0600 - Variant is located in the annotated myosin tail 1 domain (DECIPHER). (I) 0705 - No comparable insertion variants have previous evidence for pathogenicity. (I) 0809 - Previous evidence of pathogenicity for this variant is inconclusive. It has been reported as a VUS by three clinical testing laboratories in four individuals with aortic dissection, one individual with a suspected connective tissue disorder and one individual with no known heart disease (ClinVar, personal communication). (I) 0905 - No published segregation evidence has been identified for this variant. (I) 1007 - No published functional evidence has been identified for this variant. (I) 1208 - Inheritance information for this variant is not currently available in this individual. (I) Legend: (SP) - Supporting pathogenic, (I) - Information, (SB) - Supporting benign

GeneDx
Classification: Uncertain significance. Last evaluated: 2020-08-05. Review status: criteria provided, single submitter. Criteria: GeneDx Variant Classification Process June 2021. Collection method: clinical testing. Allele origin: germline. Affected: yes.
Comment: Has not been previously published as pathogenic or benign to our knowledge; In-frame duplication in a repetitive region with no known function; Reported in ClinVar as a variant of uncertain significance but additional evidence is not available (ClinVar Variant ID# 580565; Landrum et al., 2016); also denoted as c.5255_5266dup12 due to the use of an alternate transcript; Not observed at a significant frequency in large population cohorts (Lek et al., 2016)

Breakthrough Genomics
Classification: Uncertain significance. Review status: criteria provided, single submitter. Criteria: ACMG Guidelines, 2015. Collection method: not provided. Allele origin: germline. Inheritance: Autosomal recessive inheritance. Affected: yes.

Literature cited by the submitters: PubMed 17666408 (cited by Victorian Clinical Genetics Services, Murdoch Childrens Research Institute); PubMed 22968129 (cited by Victorian Clinical Genetics Services, Murdoch Childrens Research Institute); PubMed 31389005 (cited by Victorian Clinical Genetics Services, Murdoch Childrens Research Institute); PubMed 31944481 (cited by Victorian Clinical Genetics Services, Murdoch Childrens Research Institute).